The following is an entry in ClinVar:

ClinVar aggregate classification (germline): Uncertain significance. Review status: criteria provided, multiple submitters, no conflicts (2 of 4 stars). 3 submissions from 3 submitters: Uncertain significance (3). Last evaluated 2026-05-10.

Conditions:
Early-infantile DEE. Also called: Early infantile epileptic encephalopathy; Early infantile epileptic encephalopathy with suppression bursts; Ohtahara syndrome. Identifiers: Orphanet 1934, MedGen C0393706, MONDO:0800491.
Inborn genetic diseases. Identifiers: MedGen C0950123, MeSH D030342.

Allele frequency attached by ClinVar (database versions not stated): TOPMed below 0.00001; gnomAD exomes below 0.00001; gnomAD 0.00001.
gnomAD v4.1: 4 of 1,613,398 alleles (0.00025%); highest among the groups gnomAD compares: South Asian, 0.0011%; no homozygotes.

Submissions (3):

Ambry Genetics
Classification: Uncertain significance for Inborn genetic diseases. Last evaluated: 2026-05-10. Review status: criteria provided, single submitter. Criteria: Ambry Variant Classification Scheme 2023. Collection method: clinical testing. Allele origin: germline.

Labcorp Genetics (formerly Invitae), Labcorp
Classification: Uncertain significance for Early-infantile DEE. Last evaluated: 2024-03-14. Review status: criteria provided, single submitter. Criteria: Invitae Variant Classification Sherloc (09022015). Collection method: clinical testing. Allele origin: germline.
Comment: This sequence change replaces valine, which is neutral and non-polar, with isoleucine, which is neutral and non-polar, at codon 339 of the GNAO1 protein (p.Val339Ile). This variant is not present in population databases (gnomAD no frequency). This variant has not been reported in the literature in individuals affected with GNAO1-related conditions. ClinVar contains an entry for this variant (Variation ID: 1308920). Advanced modeling of protein sequence and biophysical properties (such as structural, functional, and spatial information, amino acid conservation, physicochemical variation, residue mobility, and thermodynamic stability) has been performed at Invitae for this missense variant, however the output from this modeling did not meet the statistical confidence thresholds required to predict the impact of this variant on GNAO1 protein function. In summary, the available evidence is currently insufficient to determine the role of this variant in disease. Therefore, it has been classified as a Variant of Uncertain Significance.

GeneDx
Classification: Uncertain significance. Last evaluated: 2019-10-04. Review status: criteria provided, single submitter. Criteria: GeneDx Variant Classification Process June 2021. Collection method: clinical testing. Allele origin: germline. Affected: yes.
Comment: Not observed in large population cohorts (Lek et al., 2016); In silico analysis, which includes protein predictors and evolutionary conservation, supports that this variant does not alter protein structure/function; Has not been previously published as pathogenic or benign to our knowledge

NM_020988.3(GNAO1):c.1015G>A (p.Val339Ile)

Gene: GNAO1 (G protein subunit alpha o1; plus strand). Cytogenetic location: 16q13.
Variant type: single nucleotide variant.
Coding change: c.1015G>A on transcript NM_020988.3 (MANE Select); coding-DNA position 1015, G replaced by A.
Protein change: p.Val339Ile; replaces valine 339 with isoleucine.
Molecular consequence: missense variant.
Genome position (GRCh38, 1-based): chr16:56,355,003, G>A. VCF-style: chr16-56355003-G-A. GRCh37 (hg19) VCF-style: chr16-56388915-G-A.
Other names: short protein forms V339I.
Identifiers: ClinVar variation 1308920 (VCV001308920.7), dbSNP rs2037954591, ClinGen allele CA395955300.